The following is an entry in ClinVar:

ClinVar aggregate classification (germline): Likely benign. Review status: criteria provided, single submitter (1 of 4 stars). 2 submissions from 2 submitters: Likely benign (1). 1 of the submissions does not count toward it. Last evaluated 2024-05-20.

Conditions:
IRF2BPL-related disorder. Also called: IRF2BPL-related condition. Identifiers: MedGen CN381093.

Allele frequency attached by ClinVar (database versions not stated): gnomAD 0.00006; 1000 Genomes Project 30x 0.00016; ExAC 0.00016; gnomAD exomes 0.00016.

Submissions (2):

Blueprint Genetics
Classification: Likely benign. Last evaluated: 2024-05-20. Review status: criteria provided, single submitter. Criteria: ACMG Guidelines, 2015. Collection method: clinical testing. Allele origin: germline.

PreventionGenetics, part of Exact Sciences
Classification: Likely benign for IRF2BPL-related condition. Last evaluated: 2019-12-16. Review status: no assertion criteria provided. Collection method: clinical testing. Allele origin: germline. Not counted in ClinVar's aggregate classification.
Comment: This variant is classified as likely benign based on ACMG/AMP sequence variant interpretation guidelines (Richards et al. 2015 PMID: 25741868, with internal and published modifications).

NM_024496.4(IRF2BPL):c.1506C>T (p.Ala502=)

Gene: IRF2BPL (interferon regulatory factor 2 binding protein like; minus strand). Cytogenetic location: 14q24.3.
Variant type: single nucleotide variant.
Coding change: c.1506C>T on transcript NM_024496.4 (MANE Select); coding-DNA position 1506, C replaced by T.
Protein change: p.Ala502=; no amino-acid change (alanine 502 retained).
Molecular consequence: synonymous variant.
Genome position (GRCh38, 1-based): chr14:77,026,287, G>A on the plus strand (C>T on the coding strand, the complement: IRF2BPL is on the minus strand). VCF-style: chr14-77026287-G-A. GRCh37 (hg19) VCF-style: chr14-77492630-G-A.
Identifiers: ClinVar variation 3048310 (VCV003048310.3), dbSNP rs74386599, ClinGen allele CA7283653.